The following is an entry in ClinVar:

ClinVar aggregate classification (germline): Likely pathogenic (1 of 4 stars; one submission).

Conditions:
Peroxisome biogenesis disorder due to PEX5 defect. Identifiers: MedGen CN305478, MONDO:0100262.

Submission:

Broad Center for Mendelian Genomics, Broad Institute of MIT and Harvard
Classification: Likely pathogenic for Peroxisome biogenesis disorder due to PEX5 defect. Last evaluated: 2023-01-25. Review status: criteria provided, single submitter. Criteria: ACMG Guidelines, 2015. Collection method: curation. Allele origin: germline. Inheritance: Autosomal recessive inheritance.
Comment: The p.Ser68LeufsTer10 variant in PEX5 has not been previously reported in individuals with peroxisome biogenesis disorder 2B but has been identified in 0.009% (1/11464) of East Asian chromosomes by the Genome Aggregation Database (gnomAD; dbSNP ID: rs1337097694). Although this variant has been seen in the general population in a heterozygous state, its frequency is low enough to be consistent with a recessive carrier frequency. This variant is predicted to cause a frameshift, which alters the protein‚Äôs amino acid sequence beginning at position 2331 and leads to a premature termination codon 1 amino acid downstream. This alteration is then predicted to lead to a truncated or absent protein. Loss of function of the PEX5 gene is an established disease mechanism of autosomal recessive peroxisome biogenesis disorder 2B. In summary, although additional studies are required to fully establish its clinical significance, this variant is likely pathogenic for autosomal recessive peroxisome biogenesis disorder 2B. ACMG/AMP Criteria applied: PVS1, PM2_Supporting (Richards 2015).

NM_001351132.2(PEX5):c.138del (p.Ser47fs)

Gene: PEX5 (peroxisomal biogenesis factor 5; plus strand). Cytogenetic location: 12p13.31.
Variant type: Deletion.
Coding change: c.138del on transcript NM_001351132.2 (MANE Select); coding-DNA position 138, one base deleted (C; older notation c.138delC).
Protein change: p.Ser47fs; shifts the reading frame from serine 47.
Molecular consequence: frameshift variant.
Genome position (GRCh38, 1-based): chr12:7,190,515, C deleted; the last of 2 consecutive C bases (chr12:7,190,514-7,190,515); deleting either gives the same sequence. VCF-style (leftmost placement, unchanged base first): chr12-7190513-GC-G. GRCh37 (hg19) VCF-style: chr12-7343109-GC-G.
Other names: NM_001374649.2:c.138del; c.138del, p.Ser47fs (NM_000319.5, NM_001131023.2, NM_001131024.2 and 22 more transcripts); short protein forms S47fs.
Identifiers: ClinVar variation 2412727 (VCV002412727.1), dbSNP rs1337097694, ClinGen allele CA603488644.